The following is an entry in ClinVar:

ClinVar aggregate classification (germline): Uncertain significance (1 of 4 stars; one submission).

Allele frequency attached by ClinVar (database versions not stated): gnomAD 0.00001.
gnomAD v4.1: 4 of 1,224,364 alleles (0.00033%); highest among the groups gnomAD compares: Admixed American, 0.0086%; no homozygotes.

Submission:

Labcorp Genetics (formerly Invitae), Labcorp
Classification: Uncertain significance. Last evaluated: 2022-03-21. Review status: criteria provided, single submitter. Criteria: Invitae Variant Classification Sherloc (09022015). Collection method: clinical testing. Allele origin: germline.
Comment: This sequence change replaces arginine, which is basic and polar, with tryptophan, which is neutral and slightly polar, at codon 56 of the KIAA1549 protein (p.Arg56Trp). This variant is not present in population databases (gnomAD no frequency). This variant has not been reported in the literature in individuals affected with KIAA1549-related conditions. Algorithms developed to predict the effect of missense changes on protein structure and function (SIFT, PolyPhen-2, Align-GVGD) all suggest that this variant is likely to be tolerated. In summary, the available evidence is currently insufficient to determine the role of this variant in disease. Therefore, it has been classified as a Variant of Uncertain Significance.

NM_001164665.2(KIAA1549):c.166C>T (p.Arg56Trp)

Gene: KIAA1549 (KIAA1549; minus strand). Cytogenetic location: 7q34.
Variant type: single nucleotide variant.
Coding change: c.166C>T on transcript NM_001164665.2 (MANE Select); coding-DNA position 166, C replaced by T.
Protein change: p.Arg56Trp; replaces arginine 56 with tryptophan.
Molecular consequence: missense variant.
Genome position (GRCh38, 1-based): chr7:138,981,104, G>A on the plus strand (C>T on the coding strand, the complement: KIAA1549 is on the minus strand). VCF-style: chr7-138981104-G-A. GRCh37 (hg19) VCF-style: chr7-138665850-G-A.
Other names: c.166C>T, p.Arg56Trp (NM_020910.3); short protein forms R56W.
Identifiers: ClinVar variation 1919476 (VCV001919476.2), dbSNP rs975101086, ClinGen allele CA167169244.